The following is an entry in ClinVar:

ClinVar aggregate classification (germline): Uncertain significance (1 of 4 stars; one submission).

Allele frequency attached by ClinVar (database versions not stated): gnomAD exomes below 0.00001.
gnomAD v4.1: 2 of 1,578,286 alleles (0.00013%); highest among the groups gnomAD compares: Admixed American, 0.0017%; no homozygotes.

Submission:

Labcorp Genetics (formerly Invitae), Labcorp
Classification: Uncertain significance. Last evaluated: 2023-08-30. Review status: criteria provided, single submitter. Criteria: Invitae Variant Classification Sherloc (09022015). Collection method: clinical testing. Allele origin: germline.
Comment: This variant is present in population databases (no rsID available, gnomAD 0.003%). This sequence change replaces glycine, which is neutral and non-polar, with glutamic acid, which is acidic and polar, at codon 25 of the PEX3 protein (p.Gly25Glu). This variant has not been reported in the literature in individuals affected with PEX3-related conditions. In summary, the available evidence is currently insufficient to determine the role of this variant in disease. Therefore, it has been classified as a Variant of Uncertain Significance. An algorithm developed to predict the effect of missense changes on protein structure and function (PolyPhen-2) suggests that this variant is likely to be disruptive. ClinVar contains an entry for this variant (Variation ID: 1417299).

NM_003630.3(PEX3):c.74G>A (p.Gly25Glu)

Gene: PEX3 (peroxisomal biogenesis factor 3; plus strand). Cytogenetic location: 6q24.2.
Variant type: single nucleotide variant.
Coding change: c.74G>A on transcript NM_003630.3 (MANE Select); coding-DNA position 74, G replaced by A.
Protein change: p.Gly25Glu; replaces glycine 25 with glutamic acid.
Molecular consequence: missense variant.
Genome position (GRCh38, 1-based): chr6:143,459,085, G>A. VCF-style: chr6-143459085-G-A. GRCh37 (hg19) VCF-style: chr6-143780222-G-A.
Other names: short protein forms G25E.
Identifiers: ClinVar variation 1417299 (VCV001417299.8), dbSNP rs1411756701, ClinGen allele CA365904655.